The following is an entry in ClinVar:

NM_007118.4(TRIO):c.9247C>T (p.Arg3083Cys)

Gene: TRIO (trio Rho guanine nucleotide exchange factor; plus strand). Cytogenetic location: 5p15.2.
Variant type: single nucleotide variant.
Coding change: c.9247C>T on transcript NM_007118.4 (MANE Select); coding-DNA position 9247, C replaced by T.
Protein change: p.Arg3083Cys; replaces arginine 3083 with cysteine.
Molecular consequence: missense variant. On other transcripts: non-coding transcript variant (1).
Genome position (GRCh38, 1-based): chr5:14,508,375, C>T. VCF-style: chr5-14508375-C-T. GRCh37 (hg19) VCF-style: chr5-14508484-C-T.
Other names: short protein forms R3083C.
Identifiers: ClinVar variation 785115 (VCV000785115.31), dbSNP rs61740945, ClinGen allele CA3208080.
Genomic context (GRCh38, chr5:14,508,375, plus strand): 5'-ACGTCCAGACTGACTTCCTTCATTGAGCGGCGCAAACACCAGAATGATGTTCGACCTATC[C>T]GTAGCATTAAAAACTTTCTGCAGAGCAGGCTTCTGCCTAGAGTTTGACCTATCCAGAAGT-3'
Protein context (NP_009049.2, residues 3073-3093): RKHQNDVRPI[Arg3083Cys]SIKNFLQSRL

ClinVar aggregate classification (germline): Benign/Likely benign. Review status: criteria provided, multiple submitters, no conflicts (2 of 4 stars). 5 submissions from 5 submitters: Benign (4); Likely benign (1). Last evaluated 2026-08-01.

Allele frequency attached by ClinVar (database versions not stated): ExAC 0.00078; 1000 Genomes Project 30x 0.00172; 1000 Genomes Project 0.00180; gnomAD 0.00254 and 0.00272; ESP Exome Variant Server 0.00270; TOPMed 0.00290.
gnomAD v4.1: 904 of 1,613,600 alleles (0.056%); highest among the groups gnomAD compares: African/African-American, 0.92%; 5 homozygotes.

Submissions (5):

CeGaT Center for Human Genetics Tuebingen
Classification: Likely benign. Last evaluated: 2026-08-01. Review status: criteria provided, single submitter. Criteria: CeGaT Center For Human Genetics Tuebingen Variant Classification Criteria Version 2. Collection method: clinical testing. Allele origin: germline. Affected: yes. Observed: 10 variant alleles.
Comment: TRIO: BS1

Blueprint Genetics
Classification: Benign. Last evaluated: 2024-11-11. Review status: criteria provided, single submitter. Criteria: ACMG Guidelines, 2015. Collection method: clinical testing. Allele origin: germline.

Labcorp Genetics (formerly Invitae), Labcorp
Classification: Benign. Last evaluated: 2019-12-31. Review status: criteria provided, single submitter. Criteria: Invitae Variant Classification Sherloc (09022015). Collection method: clinical testing. Allele origin: germline.

GeneDx
Classification: Benign. Last evaluated: 2019-04-11. Review status: criteria provided, single submitter. Criteria: GeneDx Variant Classification Process June 2021. Collection method: clinical testing. Allele origin: germline. Affected: yes.

Breakthrough Genomics
Classification: Benign. Review status: criteria provided, single submitter. Criteria: ACMG Guidelines, 2015. Collection method: not provided. Allele origin: germline. Inheritance: Autosomal dominant inheritance. Affected: yes.